The following is an entry in ClinVar:

NM_025216.3(WNT10A):c.262G>A (p.Gly88Ser)

Gene: WNT10A (Wnt family member 10A; plus strand). Cytogenetic location: 2q35.
Variant type: single nucleotide variant.
Coding change: c.262G>A on transcript NM_025216.3 (MANE Select); coding-DNA position 262, G replaced by A.
Protein change: p.Gly88Ser; replaces glycine 88 with serine.
Molecular consequence: missense variant.
Genome position (GRCh38, 1-based): chr2:218,882,309, G>A. VCF-style: chr2-218882309-G-A. GRCh37 (hg19) VCF-style: chr2-219747031-G-A.
Other names: short protein forms G88S.
Identifiers: ClinVar variation 1299618 (VCV001299618.1), dbSNP rs1443984375, ClinGen allele CA350618757.
Genomic context (GRCh38, chr2:218,882,309, plus strand): 5'-AGCCGGCGGCAGATGGAGGTGTGTGTGCGTCACCCTGATGTGGCTGCCTCAGCCATACAG[G>A]GCATCCAGATCGCCATCCACGAATGCCAACACCAATTCAGGGACCAGCGCTGGAACTGCT-3'
Protein context (NP_079492.2, residues 78-98): HPDVAASAIQ[Gly88Ser]IQIAIHECQH

ClinVar aggregate classification (germline): Uncertain significance (1 of 4 stars; one submission).

Conditions:
Tooth agenesis, selective, 4 (STHAG4). Also called: SUCCEDANEOUS TEETH, AGENESIS OF; TOOTH AGENESIS, SELECTIVE, 4, WITH OR WITHOUT ECTODERMAL DYSPLASIA; LATERAL INCISORS, ABSENCE OF; LATERAL INCISORS, PEGGED OR MISSING. Identifiers: Orphanet 99798, MedGen C1835492, MONDO:0007881, OMIM 150400. Disease mechanism: loss of function.

Allele frequency attached by ClinVar (database versions not stated): TOPMed below 0.00001.

Submission:

Laboratory of Medical Genetics, National & Kapodistrian University of Athens
Classification: Uncertain significance for Tooth agenesis, selective, 4. Last evaluated: 2021-10-06. Review status: criteria provided, single submitter. Criteria: ACMG Guidelines, 2015. Collection method: clinical testing. Allele origin: paternal.
Comment: PM2, PP2, PP3